The following is an entry in ClinVar:

ClinVar aggregate classification (germline): Likely benign. Review status: criteria provided, single submitter (1 of 4 stars). 2 submissions from 2 submitters: Likely benign (1). 1 of the submissions does not count toward it. Last evaluated 2024-10-25.

Conditions:
Inborn genetic diseases. Identifiers: MedGen C0950123, MeSH D030342.
ABCC2-related disorder. Also called: ABCC2-related condition.

gnomAD v4.1: 1 of 1,614,098 alleles (0.000062%); highest among the groups gnomAD compares: South Asian, 0.0011%; no homozygotes.

Submissions (2):

Ambry Genetics
Classification: Likely benign for Inborn genetic diseases. Last evaluated: 2024-10-25. Review status: criteria provided, single submitter. Criteria: Ambry Variant Classification Scheme 2023. Collection method: clinical testing. Allele origin: germline.

PreventionGenetics, part of Exact Sciences
Classification: Uncertain significance for ABCC2-related condition. Last evaluated: 2024-08-16. Review status: no assertion criteria provided. Collection method: clinical testing. Allele origin: germline. Not counted in ClinVar's aggregate classification.
Comment: The ABCC2 c.1567G>A variant is predicted to result in the amino acid substitution p.Asp523Asn. To our knowledge, this variant has not been reported in the literature or in a large population database, indicating this variant is rare. At this time, the clinical significance of this variant is uncertain due to the absence of conclusive functional and genetic evidence.

NM_000392.5(ABCC2):c.1567G>A (p.Asp523Asn)

Gene: ABCC2 (ATP binding cassette subfamily C member 2; plus strand). Cytogenetic location: 10q24.2.
Variant type: single nucleotide variant.
Coding change: c.1567G>A on transcript NM_000392.5 (MANE Select); coding-DNA position 1567, G replaced by A.
Protein change: p.Asp523Asn; replaces aspartic acid 523 with asparagine.
Molecular consequence: missense variant.
Genome position (GRCh38, 1-based): chr10:99,807,420, G>A. VCF-style: chr10-99807420-G-A. GRCh37 (hg19) VCF-style: chr10-101567177-G-A.
Other names: c.1567G>A (NM_000392.3); short protein forms D523N.
Identifiers: ClinVar variation 3347610 (VCV003347610.2).